The following is an entry in ClinVar:

NM_001014.5(RPS10):c.67G>T (p.Ala23Ser)

Genes: RPS10-NUDT3 (RPS10-NUDT3 readthrough; minus strand), RPS10 (ribosomal protein S10; minus strand). Cytogenetic location: 6p21.31.
Variant type: single nucleotide variant.
Coding change: c.67G>T on transcript NM_001014.5 (MANE Select); coding-DNA position 67, G replaced by T.
Protein change: p.Ala23Ser; replaces alanine 23 with serine.
Molecular consequence: missense variant.
Genome position (GRCh38, 1-based): chr6:34,425,155, C>A on the plus strand (G>T on the coding strand, the complement: RPS10 is on the minus strand). VCF-style: chr6-34425155-C-A. GRCh37 (hg19) VCF-style: chr6-34392932-C-A.
Other names: c.67G>T, p.Ala23Ser (NM_001202470.3, NM_001203245.3, NM_001204091.2); short protein forms A23S.
Identifiers: ClinVar variation 5019546 (VCV005019546.2).

ClinVar aggregate classification (germline): Uncertain significance (1 of 4 stars; one submission).

Conditions:
Diamond-Blackfan anemia 9 (DBA9). Also called: RPS10-Related Diamond-Blackfan Anemia. Identifiers: Orphanet 124, MedGen C2750081, MONDO:0013216, OMIM 613308.

Submission:

Juno Genomics, Hangzhou Juno Genomics, Inc
Classification: Uncertain significance for Diamond-Blackfan anemia 9. Review status: criteria provided, single submitter. Criteria: ACMG Guidelines, 2015. Collection method: clinical testing. Allele origin: germline.
Comment: Absent from controls (or at extremely low frequency if recessive) in Genome Aggregation Database.;Multiple lines of computational evidence support a deleterious effect on the gene or gene product.